The following is an entry in ClinVar:

ClinVar aggregate classification (germline): Pathogenic (1 of 4 stars; one submission).

Submission:

Labcorp Genetics (formerly Invitae), Labcorp
Classification: Pathogenic. Last evaluated: 2022-10-16. Review status: criteria provided, single submitter. Criteria: Invitae Variant Classification Sherloc (09022015). Collection method: clinical testing. Allele origin: germline.
Comment: For these reasons, this variant has been classified as Pathogenic. This variant has not been reported in the literature in individuals affected with RAI1-related conditions. This variant is not present in population databases (gnomAD no frequency). This sequence change creates a premature translational stop signal (p.Lys1716Alafs*14) in the RAI1 gene. It is expected to result in an absent or disrupted protein product. Loss-of-function variants in RAI1 are known to be pathogenic (PMID: 21857958, 24715852).

Literature cited by the submitters: PubMed 21857958; PubMed 24715852.

NM_030665.4(RAI1):c.5145_5146del (p.Lys1716fs)

Gene: RAI1 (retinoic acid induced 1; plus strand). Cytogenetic location: 17p11.2.
Variant type: Deletion.
Coding change: c.5145_5146del on transcript NM_030665.4 (MANE Select); coding-DNA positions 5145 to 5146, 2 bases deleted (GA; older notation c.5145_5146delGA).
Protein change: p.Lys1716fs; shifts the reading frame from lysine 1716.
Molecular consequence: frameshift variant.
Genome position (GRCh38, 1-based): chr17:17,798,093-17,798,094, GA deleted; deleting any 2 consecutive bases within chr17:17,798,092-17,798,094 gives the same sequence; the c. name uses the placement nearest the transcript's 3' end. VCF-style (leftmost placement, unchanged base first): chr17-17798091-AAG-A. GRCh37 (hg19) VCF-style: chr17-17701405-AAG-A.
Other names: short protein forms K1716fs.
Identifiers: ClinVar variation 2035807 (VCV002035807.4), dbSNP rs2543624604, ClinGen allele CA2580092616.
Genomic context (GRCh38, chr17:17,798,091, plus strand): 5'-AACTTCAAGGACCTTGGGGACCTCTGTGGGCCCTACTACCCTGAACACTGCCTCCCCAAA[AAG>A]AAGCCAAAACTCAAGGAGAAGGTGCGGCCAGAAGGCACCTGTGAGGAGGCCTCGCTGCCG-3'